The following is an entry in ClinVar:

ClinVar aggregate classification (germline): Pathogenic (1 of 4 stars; one submission).

Submission:

Labcorp Genetics (formerly Invitae), Labcorp
Classification: Pathogenic. Last evaluated: 2022-04-24. Review status: criteria provided, single submitter. Criteria: Invitae Variant Classification Sherloc (09022015). Collection method: clinical testing. Allele origin: germline.
Comment: This sequence change creates a premature translational stop signal (p.Gly1682Glufs*4) in the MPDZ gene. It is expected to result in an absent or disrupted protein product. Loss-of-function variants in MPDZ are known to be pathogenic (PMID: 23240096, 28556411). This variant is present in population databases (rs774606640, gnomAD 0.002%). This variant has not been reported in the literature in individuals affected with MPDZ-related conditions. For these reasons, this variant has been classified as Pathogenic.

Literature cited by the submitters: PubMed 23240096; PubMed 28556411.

NM_001378778.1(MPDZ):c.5045del (p.Gly1682fs)

Gene: MPDZ (multiple PDZ domain crumbs cell polarity complex component; minus strand). Cytogenetic location: 9p23.
Variant type: Deletion.
Coding change: c.5045del on transcript NM_001378778.1 (MANE Select); coding-DNA position 5045, one base deleted (G; older notation c.5045delG).
Protein change: p.Gly1682fs; shifts the reading frame from glycine 1682.
Molecular consequence: frameshift variant.
Genome position (GRCh38, 1-based): chr9:13,121,925, C deleted on the plus strand (G on the coding strand, the reverse complement: MPDZ is on the minus strand); the first of 2 consecutive C bases (chr9:13,121,925-13,121,926); deleting either gives the same sequence. VCF-style (leftmost placement, unchanged base first): chr9-13121924-TC-T. GRCh37 (hg19) VCF-style: chr9-13121923-TC-T.
Other names: c.4946del, p.Gly1649fs (NM_001375419.1, NM_001261406.2, NM_001261407.2 and 3 more transcripts); c.4835del, p.Gly1612fs (NM_001375420.1, NM_001375421.1, NM_001375422.1 and 4 more transcripts); c.4637del, p.Gly1546fs (NM_001375427.1); c.5045del, p.Gly1682fs (NM_001330637.2, NM_003829.5); c.5144del, p.Gly1715fs (NM_001375413.1); short protein forms G1546fs, G1682fs, G1612fs, G1649fs, G1715fs.
Identifiers: ClinVar variation 1959874 (VCV001959874.6), dbSNP rs774606640, ClinGen allele CA4986445.